The following is an entry in ClinVar:

NM_133433.4(NIPBL):c.1521A>C (p.Gln507His)

Gene: NIPBL (NIPBL cohesin loading factor; plus strand). Cytogenetic location: 5p13.2.
Variant type: single nucleotide variant.
Coding change: c.1521A>C on transcript NM_133433.4 (MANE Select); coding-DNA position 1521, A replaced by C.
Protein change: p.Gln507His; replaces glutamine 507 with histidine.
Molecular consequence: missense variant.
Genome position (GRCh38, 1-based): chr5:36,984,701, A>C. VCF-style: chr5-36984701-A-C. GRCh37 (hg19) VCF-style: chr5-36984803-A-C.
Other names: c.1521A>C, p.Gln507His (NM_015384.5); short protein forms Q507H.
Identifiers: ClinVar variation 427030 (VCV000427030.5), dbSNP rs1085307910, ClinGen allele CA359492604.

ClinVar aggregate classification (germline): Pathogenic (1 of 4 stars; one submission).

Submission:

GeneDx
Classification: Pathogenic. Last evaluated: 2022-07-30. Review status: criteria provided, single submitter. Criteria: GeneDx Variant Classification Process June 2021. Collection method: clinical testing. Allele origin: germline. Affected: yes.
Comment: Not observed in large population cohorts (gnomAD); In silico analysis supports that this missense variant does not alter protein structure/function; Has not been previously published as pathogenic or benign to our knowledge